The following is an entry in ClinVar:

ClinVar aggregate classification (germline): Benign. Review status: criteria provided, multiple submitters, no conflicts (2 of 4 stars). 2 submissions from 2 submitters: Benign (2). Last evaluated 2018-01-13.

Conditions:
Fraser syndrome 1 (FRASRS1). Also called: CRYPTOPHTHALMOS WITH OTHER MALFORMATIONS. Identifiers: Orphanet 2052, MedGen C4551480, MONDO:0054737, OMIM 219000.

Allele frequency attached by ClinVar (database versions not stated): 1000 Genomes Project 0.02077; gnomAD 0.02198; 1000 Genomes Project 30x 0.02280; TOPMed 0.02454.
gnomAD v4.1: 5,224 of 910,592 alleles (0.57%); highest among the groups gnomAD compares: African/African-American, 7.9%; 168 homozygotes.

Submissions (2):

Illumina Laboratory Services, Illumina
Classification: Benign for Fraser syndrome 1. Last evaluated: 2018-01-13. Review status: criteria provided, single submitter. Criteria: ICSL Variant Classification Criteria 13 December 2019. Collection method: clinical testing. Allele origin: germline.
Comment: This variant was observed in the ICSL laboratory as part of a predisposition screen in an ostensibly healthy population. It had not been previously curated by ICSL or reported in the Human Gene Mutation Database (HGMD: prior to June 1st, 2018), and was therefore a candidate for classification through an automated scoring system. Utilizing variant allele frequency, disease prevalence and penetrance estimates, and inheritance mode, an automated score was calculated to assess if this variant is too frequent to cause the disease. Based on the score and internal cut-off values, a variant classified as benign is not then subjected to further curation. The score for this variant resulted in a classification of benign for this disease.

Breakthrough Genomics
Classification: Benign. Review status: criteria provided, single submitter. Criteria: ACMG Guidelines, 2015. Collection method: not provided. Allele origin: germline. Inheritance: Autosomal recessive inheritance. Affected: yes.

NM_025074.7(FRAS1):c.*78G>T

Gene: FRAS1 (Fraser extracellular matrix complex subunit 1; plus strand). Cytogenetic location: 4q21.21.
Variant type: single nucleotide variant.
Coding change: c.*78G>T on transcript NM_025074.7 (MANE Select); 78 bases downstream of the stop codon, G replaced by T.
Molecular consequence: 3 prime UTR variant.
Genome position (GRCh38, 1-based): chr4:78,541,202, G>T. VCF-style: chr4-78541202-G-T. GRCh37 (hg19) VCF-style: chr4-79462356-G-T.
Identifiers: ClinVar variation 349825 (VCV000349825.6), dbSNP rs77632937, ClinGen allele CA10619327.